The following is an entry in ClinVar:

NM_005188.4(CBL):c.1486G>C (p.Val496Leu)

Gene: CBL (Cbl proto-oncogene; plus strand). Cytogenetic location: 11q23.3.
Variant type: single nucleotide variant.
Coding change: c.1486G>C on transcript NM_005188.4 (MANE Select); coding-DNA position 1486, G replaced by C.
Protein change: p.Val496Leu; replaces valine 496 with leucine.
Molecular consequence: missense variant.
Genome position (GRCh38, 1-based): chr11:119,285,023, G>C. VCF-style: chr11-119285023-G-C. GRCh37 (hg19) VCF-style: chr11-119155733-G-C.
Other names: short protein forms V496L.
Identifiers: ClinVar variation 3996058 (VCV003996058.1).
Genomic context (GRCh38, chr11:119,285,023, plus strand): 5'-CCCTAGGTGGAACGGCCGCCTTCTCCATTCTCCATGGCCCCACAAGCTTCCCTTCCCCCG[G>C]TGCCACCACGACTTGACCTTCTGCCGCAGCGAGTATGTGTTCCCTCAAGTGCTTCTGCTC-3'
Protein context (NP_005179.2, residues 486-506): SMAPQASLPP[Val496Leu]PPRLDLLPQR

ClinVar aggregate classification (germline): Uncertain significance (1 of 4 stars; one submission).

Conditions:
Cardiovascular phenotype. Identifiers: MedGen CN230736.

Submission:

Ambry Genetics
Classification: Uncertain significance for Cardiovascular phenotype. Last evaluated: 2025-05-18. Review status: criteria provided, single submitter. Criteria: Ambry Variant Classification Scheme 2023. Collection method: clinical testing. Allele origin: germline.
Comment: The p.V496L variant (also known as c.1486G>C), located in coding exon 10 of the CBL gene, results from a G to C substitution at nucleotide position 1486. The valine at codon 496 is replaced by leucine, an amino acid with highly similar properties. This amino acid position is conserved. In addition, the in silico prediction for this alteration is inconclusive. Based on the available evidence, the clinical significance of this variant remains unclear.